The following is an entry in ClinVar:

NM_004278.4(PIGL):c.483T>G (p.Tyr161Ter)

Gene: PIGL (phosphatidylinositol glycan anchor biosynthesis class L; plus strand). Cytogenetic location: 17p11.2.
Variant type: single nucleotide variant.
Coding change: c.483T>G on transcript NM_004278.4 (MANE Select); coding-DNA position 483, T replaced by G.
Protein change: p.Tyr161Ter; replaces tyrosine 161 with a stop codon.
Molecular consequence: nonsense.
Genome position (GRCh38, 1-based): chr17:16,313,603, T>G. VCF-style: chr17-16313603-T-G. GRCh37 (hg19) VCF-style: chr17-16216917-T-G.
Other names: c.483T>G, p.Tyr161Ter (NM_001411072.1); short protein forms Y161*.
Identifiers: ClinVar variation 4850452 (VCV004850452.1).
Genomic context (GRCh38, chr17:16,313,603, plus strand): 5'-ACAGGTGGTGACTTTCGATGCAGGGGGAGTAAGTGGCCACAGCAATCACATTGCTCTGTA[T>G]GCAGCTGTGAGGTATGATTCTCCGGGTGATGGATGTGGGGGAGGGTTTGTTTATTTGATT-3'

ClinVar aggregate classification (germline): Likely pathogenic (1 of 4 stars; one submission).

Conditions:
CHIME syndrome (CHIME). Also called: COLOBOMA, CONGENITAL HEART DISEASE, ICHTHYOSIFORM DERMATOSIS, IMPAIRED INTELLECTUAL DEVELOPMENT, AND EAR ANOMALIES SYNDROME; GLYCOSYLPHOSPHATIDYLINOSITOL BIOSYNTHESIS DEFECT 5. Identifiers: Orphanet 3474, MedGen C1848392, MONDO:0010221, OMIM 280000.

gnomAD v4.1: 3 of 1,612,812 alleles (0.00019%); highest among the groups gnomAD compares: South Asian, 0.0011%; no homozygotes.

Submission:

First Genomix Gene Laboratory, Genetic Diagnostics Department
Classification: Likely pathogenic for CHIME syndrome. Last evaluated: 2025-10-07. Review status: criteria provided, single submitter. Criteria: ACMG Guidelines, 2015. Collection method: clinical testing. Allele origin: germline. Inheritance: Autosomal recessive inheritance. Affected: no. Observed: 1 variant allele.